The following is an entry in ClinVar:

ClinVar aggregate classification (germline): Conflicting classifications of pathogenicity. Review status: criteria provided, conflicting classifications (1 of 4 stars). 5 submissions from 5 submitters: Uncertain significance (3); Benign (1); Likely benign (1). Last evaluated 2025-11-06.

Conditions:
ATRX-related disorder. Also called: ATRX-related condition.
Inborn genetic diseases. Identifiers: MedGen C0950123, MeSH D030342.
Alpha thalassemia-X-linked intellectual disability syndrome (ATRX). Also called: ALPHA-THALASSEMIA/MENTAL RETARDATION SYNDROME, X-LINKED; X-linked alpha-thalassemia-mental retardation syndrome; ATR-X syndrome; Alpha thalassemia mental retardation syndrome, nondeletion type, X-linked; XLMR hypotonic face syndrome; ATR, NONDELETION TYPE. Identifiers: Orphanet 847, MedGen C1845055, MONDO:0010519, OMIM 301040.

Allele frequency attached by ClinVar (database versions not stated): gnomAD exomes 0.00001 and 0.00006; TOPMed 0.00003; ExAC 0.00002; gnomAD 0.00001.
gnomAD v4.1: 16 of 1,209,791 alleles (0.0013%); highest among the groups gnomAD compares: Admixed American, 0.024%; no homozygotes.

Submissions (5):

Labcorp Genetics (formerly Invitae), Labcorp
Classification: Benign for Alpha thalassemia-X-linked intellectual disability syndrome. Last evaluated: 2025-11-06. Review status: criteria provided, single submitter. Criteria: Invitae Variant Classification Sherloc (09022015). Collection method: clinical testing. Allele origin: germline.

PreventionGenetics, part of Exact Sciences
Classification: Uncertain significance for ATRX-related condition. Last evaluated: 2023-05-22. Review status: criteria provided, single submitter. Criteria: ACMG Guidelines, 2015. Collection method: clinical testing. Allele origin: germline.
Comment: The ATRX c.4031A>G variant is predicted to result in the amino acid substitution p.Lys1344Arg. To our knowledge, this variant has not been reported in the literature. This variant is reported in 0.036% of alleles in individuals of Latino descent in gnomAD. At this time, the clinical significance of this variant is uncertain due to the absence of conclusive functional and genetic evidence.

GeneDx
Classification: Likely benign. Last evaluated: 2020-12-21. Review status: criteria provided, single submitter. Criteria: GeneDx Variant Classification Process June 2021. Collection method: clinical testing. Allele origin: germline. Affected: yes.

Ambry Genetics
Classification: Uncertain significance for Inborn genetic diseases. Last evaluated: 2016-03-31. Review status: criteria provided, single submitter. Criteria: Ambry exome assertion method (8-5-2015). Collection method: clinical testing. Allele origin: germline. Affected: yes. Observed: 1 variant allele.

Genetic Services Laboratory, University of Chicago
Classification: Uncertain significance. Last evaluated: 2015-09-04. Review status: criteria provided, single submitter. Criteria: ACMG Guidelines, 2015. Collection method: clinical testing. Allele origin: germline. Affected: no.

Literature cited by the submitters: PubMed 23352163 (cited by Ambry Genetics).

NM_000489.6(ATRX):c.4031A>G (p.Lys1344Arg)

Gene: ATRX (ATRX chromatin remodeler; minus strand). Cytogenetic location: Xq21.1.
Variant type: single nucleotide variant.
Coding change: c.4031A>G on transcript NM_000489.6 (MANE Select); coding-DNA position 4031, A replaced by G.
Protein change: p.Lys1344Arg; replaces lysine 1344 with arginine.
Molecular consequence: missense variant.
Genome position (GRCh38, 1-based): chrX:77,663,471, T>C on the plus strand (A>G on the coding strand, the complement: ATRX is on the minus strand). VCF-style: chrX-77663471-T-C. GRCh37 (hg19) VCF-style: chrX-76918960-T-C.
Other names: c.3917A>G, p.Lys1306Arg (NM_138270.5); short protein forms K1344R, K1306R.
Identifiers: ClinVar variation 434465 (VCV000434465.19), dbSNP rs782556767, ClinGen allele CA10457855.
Genomic context (GRCh38, chrX:77,663,471, plus strand): 5'-TTATGCTCTTTAGGCTTTGTCTTTTTTTCTTCTCCAGATTCTCCGTCACTCACAGTCAAT[T>C]TGTGCCGCAAAAGCCTATGTCTGTATCTTGGCTTCTTAGATTCTTCAGAATCTGAATCTG-3'
Protein context (NP_000480.3, residues 1334-1354): PRYRHRLLRH[Lys1344Arg]LTVSDGESGE